The following is an entry in ClinVar:

ClinVar aggregate classification (germline): Pathogenic (1 of 4 stars; one submission).

Conditions:
Hereditary cancer-predisposing syndrome. Also called: Hereditary Cancer Syndrome; Neoplastic Syndromes, Hereditary; Hereditary neoplastic syndrome; Tumor predisposition. Identifiers: Orphanet 140162, MedGen C0027672, MeSH D009386, MONDO:0015356.

Submission:

Labcorp Genetics (formerly Invitae), Labcorp
Classification: Pathogenic for Hereditary cancer-predisposing syndrome. Last evaluated: 2022-09-19. Review status: criteria provided, single submitter. Criteria: Invitae Variant Classification Sherloc (09022015). Collection method: clinical testing. Allele origin: germline.
Comment: For these reasons, this variant has been classified as Pathogenic. This variant has not been reported in the literature in individuals affected with RAD50-related conditions. This variant is not present in population databases (gnomAD no frequency). This sequence change creates a premature translational stop signal (p.Gln876Tyrfs*6) in the RAD50 gene. It is expected to result in an absent or disrupted protein product. Loss-of-function variants in RAD50 are known to be pathogenic (PMID: 19409520).

Literature cited by the submitters: PubMed 19409520.

NM_005732.4(RAD50):c.2624_2625insGTAT (p.Gln876fs)

Gene: RAD50 (RAD50 double strand break repair protein; plus strand). Cytogenetic location: 5q31.1.
Variant type: Insertion.
Coding change: c.2624_2625insGTAT on transcript NM_005732.4 (MANE Select); coding-DNA positions 2624 to 2625, GTAT inserted.
Protein change: p.Gln876fs; shifts the reading frame from glutamine 876.
Molecular consequence: frameshift variant.
Genome position: GRCh38 VCF-style: chr5-132604904-C-CTGTA. GRCh37 (hg19) VCF-style: chr5-131940596-C-CTGTA.
Other names: short protein forms Q876fs.
Identifiers: ClinVar variation 2031210 (VCV002031210.4), dbSNP rs2479668485, ClinGen allele CA2580072794.